The following is an entry in ClinVar:

ClinVar aggregate classification (germline): Pathogenic (1 of 4 stars; one submission).

Conditions:
Congenital heart defects, multiple types, 7. Identifiers: MedGen C5394062, MONDO:0032913, OMIM 618780.

Submission:

Victorian Clinical Genetics Services, Murdoch Childrens Research Institute
Classification: Pathogenic for Congenital heart defects, multiple types, 7. Last evaluated: 2024-11-07. Review status: criteria provided, single submitter. Criteria: ACMG Guidelines, 2015. Collection method: clinical testing. Allele origin: germline. Affected: yes.
Comment: This variant is classified as Pathogenic. Evidence in support of pathogenic classification: Variant is predicted to cause nonsense-mediated decay (NMD) and loss of protein (premature termination codon is located at least 54 nucleotides upstream of the final exon-exon junction); Variant is absent from gnomAD (both v2 and v3); Other NMD predicted variants comparable to the one identified in this case have very strong previous evidence for pathogenicity (ClinVar, PMID: 30232381, 30582441). Additional information: This variant is heterozygous; This gene is associated with autosomal dominant disease; This variant has no previous evidence of pathogenicity; No published segregation evidence has been identified for this variant; No published functional evidence has been identified for this variant; Loss of function is a known mechanism of disease in this gene and is associated with congenital heart defects, multiple types, 7 (MIM#618780).0107 - This gene is associated with autosomal dominant disease; The condition associated with this gene has incomplete penetrance (PMID: 30232381, 30582441).

Literature cited by the submitters: PubMed 30582441; PubMed 30232381.

NM_182925.5(FLT4):c.1755C>G (p.Tyr585Ter)

Gene: FLT4 (fms related receptor tyrosine kinase 4; minus strand). Cytogenetic location: 5q35.3.
Variant type: single nucleotide variant.
Coding change: c.1755C>G on transcript NM_182925.5 (MANE Select); coding-DNA position 1755, C replaced by G.
Protein change: p.Tyr585Ter; replaces tyrosine 585 with a stop codon.
Molecular consequence: nonsense.
Genome position (GRCh38, 1-based): chr5:180,621,807, G>C on the plus strand (C>G on the coding strand, the complement: FLT4 is on the minus strand). VCF-style: chr5-180621807-G-C. GRCh37 (hg19) VCF-style: chr5-180048807-G-C.
Other names: c.1755C>G, p.Tyr585Ter (NM_001354989.2, NM_002020.5); short protein forms Y585*.
Identifiers: ClinVar variation 1806294 (VCV001806294.3), dbSNP rs1415338572, ClinGen allele CA362503633.